The following is an entry in ClinVar:

ClinVar aggregate classification (germline): Likely benign. Review status: criteria provided, multiple submitters, no conflicts (2 of 4 stars). 3 submissions from 3 submitters: Likely benign (3). Last evaluated 2025-02-10.

Conditions:
Colorectal cancer, susceptibility to, 12 (CRCS12). Also called: COLORECTAL CANCER, SUSCEPTIBILITY TO, ON CHROMOSOME 12q24. Identifiers: Orphanet 220460, MedGen C3554460, MONDO:0014038, OMIM 615083.

gnomAD v4.1: 1 of 1,592,600 alleles (0.000063%); highest among the groups gnomAD compares: Non-Finnish European, 0.000086%; no homozygotes.

Submissions (3):

Myriad Genetics, Inc.
Classification: Likely benign for Colorectal cancer, susceptibility to, 12. Last evaluated: 2025-02-10. Review status: criteria provided, single submitter. Criteria: Myriad Autosomal Dominant, Autosomal Recessive and X-Linked Classification Criteria (2023). Collection method: clinical testing. Allele origin: unknown.
Comment: This variant is considered likely benign. This variant is intronic and is not expected to impact mRNA splicing.

Blueprint Genetics
Classification: Likely benign. Last evaluated: 2024-01-18. Review status: criteria provided, single submitter. Criteria: ACMG Guidelines, 2015. Collection method: clinical testing. Allele origin: germline.

Labcorp Genetics (formerly Invitae), Labcorp
Classification: Likely benign. Last evaluated: 2022-06-03. Review status: criteria provided, single submitter. Criteria: Invitae Variant Classification Sherloc (09022015). Collection method: clinical testing. Allele origin: germline.

NM_006231.4(POLE):c.1021-18G>C

Gene: POLE (DNA polymerase epsilon, catalytic subunit; minus strand). Cytogenetic location: 12q24.33.
Variant type: single nucleotide variant.
Coding change: c.1021-18G>C on transcript NM_006231.4 (MANE Select); 18 bases into the intron before coding-DNA position 1021, G replaced by C.
Molecular consequence: intron variant.
Genome position (GRCh38, 1-based): chr12:132,675,838, C>G on the plus strand (G>C on the coding strand, the complement: POLE is on the minus strand). VCF-style: chr12-132675838-C-G. GRCh37 (hg19) VCF-style: chr12-133252424-C-G.
Identifiers: ClinVar variation 2198483 (VCV002198483.6), dbSNP rs2542163813, ClinGen allele CA2580086129.